The following is an entry in ClinVar:

NM_000156.6(GAMT):c.42G>C (p.Glu14Asp)

Genes: GAMT (guanidinoacetate N-methyltransferase; minus strand), LOC130062945 (ATAC-STARR-seq lymphoblastoid silent region 9707; plus strand). Cytogenetic location: 19p13.3.
Variant type: single nucleotide variant.
Coding change: c.42G>C on transcript NM_000156.6 (MANE Select); coding-DNA position 42, G replaced by C.
Protein change: p.Glu14Asp; replaces glutamic acid 14 with aspartic acid.
Molecular consequence: missense variant.
Genome position (GRCh38, 1-based): chr19:1,401,435, C>G on the plus strand (G>C on the coding strand, the complement: GAMT is on the minus strand). VCF-style: chr19-1401435-C-G. GRCh37 (hg19) VCF-style: chr19-1401434-C-G.
Other names: c.42G>C, p.Glu14Asp (NM_138924.3); c.42G>C (NM_000156.5); short protein forms E14D.
Identifiers: ClinVar variation 1432920 (VCV001432920.8), dbSNP rs775018136, ClinGen allele CA9043810.
Genomic context (GRCh38, chr19:1,401,435, plus strand): 5'-CAGGTGCGTGTCCGCTGCGTCGTAGGCCGCGGGCGCCGCCCCCCACGCGGGGCTGCAGTT[C>G]TCGCCGGGCGCGAAGATGGGGGTCGCGCTGGGGGCGCTCATGCTGCAGGCTGGACGGCGA-3'
Protein context (NP_000147.1, residues 4-24): PSATPIFAPG[Glu14Asp]NCSPAWGAAP

ClinVar aggregate classification (germline): Uncertain significance. Review status: criteria provided, multiple submitters, no conflicts (2 of 4 stars). 3 submissions from 3 submitters: Uncertain significance (3). Last evaluated 2025-10-01.

Conditions:
Cerebral creatine deficiency syndrome. Also called: Creatine deficiency syndromes. Identifiers: Orphanet 79172, MedGen C5244016, MONDO:0000456.
Deficiency of guanidinoacetate methyltransferase (CCDS2). Also called: GAMT DEFICIENCY; CEREBRAL CREATINE DEFICIENCY SYNDROME 2; Guanidinoacetate Methyltransferase (GAMT) Deficiency. Identifiers: Orphanet 382, MedGen C0574080, MONDO:0012999, OMIM 612736.
Inborn genetic diseases. Identifiers: MedGen C0950123, MeSH D030342.

Allele frequency attached by ClinVar (database versions not stated): TOPMed below 0.00001; gnomAD exomes 0.00003.
gnomAD v4.1: 14 of 1,417,138 alleles (0.00099%); highest among the groups gnomAD compares: South Asian, 0.015%; no homozygotes.

Submissions (3):

Ambry Genetics
Classification: Uncertain significance for Inborn genetic diseases. Last evaluated: 2025-10-01. Review status: criteria provided, single submitter. Criteria: Ambry Variant Classification Scheme 2023. Collection method: clinical testing. Allele origin: germline.
Comment: The c.42G>C (p.E14D) alteration is located in exon 1 (coding exon 1) of the GAMT gene. This alteration results from a G to C substitution at nucleotide position 42, causing the glutamic acid (E) at amino acid position 14 to be replaced by an aspartic acid (D). Based on data from gnomAD, the C allele has an overall frequency of 0.003% (2/60362) total alleles studied. The highest observed frequency was 0.007% (1/13890) of South Asian alleles. Based on insufficient or conflicting evidence, the clinical significance of this alteration remains unclear.

Revvity Omics, Revvity
Classification: Uncertain significance for Deficiency of guanidinoacetate methyltransferase. Last evaluated: 2021-09-23. Review status: criteria provided, single submitter. Criteria: ACMG Guidelines, 2015. Collection method: clinical testing. Allele origin: germline.

Labcorp Genetics (formerly Invitae), Labcorp
Classification: Uncertain significance for Cerebral creatine deficiency syndrome. Last evaluated: 2021-08-20. Review status: criteria provided, single submitter. Criteria: Invitae Variant Classification Sherloc (09022015). Collection method: clinical testing. Allele origin: germline.
Comment: This sequence change replaces glutamic acid with aspartic acid at codon 14 of the GAMT protein (p.Glu14Asp). The glutamic acid residue is highly conserved and there is a small physicochemical difference between glutamic acid and aspartic acid. The frequency data for this variant in the population databases is considered unreliable, as metrics indicate poor data quality at this position in the ExAC database. This variant has not been reported in the literature in individuals affected with GAMT-related conditions. Algorithms developed to predict the effect of missense changes on protein structure and function are either unavailable or do not agree on the potential impact of this missense change (SIFT: "Deleterious"; PolyPhen-2: "Possibly Damaging"; Align-GVGD: "Class C0"). In summary, the available evidence is currently insufficient to determine the role of this variant in disease. Therefore, it has been classified as a Variant of Uncertain Significance.